The following is an entry in ClinVar:

NM_030787.4(CFHR5):c.*10A>G

Gene: CFHR5 (complement factor H related 5; plus strand). Cytogenetic location: 1q31.3.
Variant type: single nucleotide variant.
Coding change: c.*10A>G on transcript NM_030787.4 (MANE Select); 10 bases downstream of the stop codon, A replaced by G.
Molecular consequence: 3 prime UTR variant.
Genome position (GRCh38, 1-based): chr1:197,008,693, A>G. VCF-style: chr1-197008693-A-G. GRCh37 (hg19) VCF-style: chr1-196977823-A-G.
Identifiers: ClinVar variation 3055280 (VCV003055280.2), dbSNP rs750843342, ClinGen allele CA1308158.
Genomic context (GRCh38, chr1:197,008,693, plus strand): 5'-TTTCGAGCAATCTGTCAGGAAGGGAAATTTGAATATCCTATATGTGAATGAAGCAAGCAT[A>G]ATTTTCCTGAATATATTCTTCAAACATCCATCTATGCTAAAAGTAGCCATTATGTAGCCA-3'

ClinVar aggregate classification (germline): Likely benign (0 of 4 stars; one submission).

Conditions:
CFHR5-related disorder. Also called: CFHR5-related condition.

Allele frequency attached by ClinVar (database versions not stated): gnomAD exomes 0.00002; gnomAD 0.00003; TOPMed 0.00007; ExAC 0.00012.
gnomAD v4.1: 37 of 1,598,878 alleles (0.0023%); highest among the groups gnomAD compares: Admixed American, 0.062%; no homozygotes.

Submission:

PreventionGenetics, part of Exact Sciences
Classification: Likely benign for CFHR5-related condition. Last evaluated: 2019-05-01. Review status: no assertion criteria provided. Collection method: clinical testing. Allele origin: germline.
Comment: This variant is classified as likely benign based on ACMG/AMP sequence variant interpretation guidelines (Richards et al. 2015 PMID: 25741868, with internal and published modifications).